The following is an entry in ClinVar:

ClinVar aggregate classification (germline): Benign (0 of 4 stars; one submission).

Conditions:
COL15A1-related disorder. Also called: COL15A1-related condition.

Allele frequency attached by ClinVar (database versions not stated): gnomAD exomes 0.00038; ExAC 0.00123; gnomAD 0.00381; TOPMed 0.00441; ESP Exome Variant Server 0.00454; 1000 Genomes Project 0.00619; 1000 Genomes Project 30x 0.00656.

Submission:

PreventionGenetics, part of Exact Sciences
Classification: Benign for COL15A1-related condition. Last evaluated: 2019-06-03. Review status: no assertion criteria provided. Collection method: clinical testing. Allele origin: germline.
Comment: This variant is classified as benign based on ACMG/AMP sequence variant interpretation guidelines (Richards et al. 2015 PMID: 25741868, with internal and published modifications).

NM_001855.5(COL15A1):c.852C>G (p.Ser284=)

Gene: COL15A1 (collagen type XV alpha 1 chain; plus strand). Cytogenetic location: 9q22.33.
Variant type: single nucleotide variant.
Coding change: c.852C>G on transcript NM_001855.5 (MANE Select); coding-DNA position 852, C replaced by G.
Protein change: p.Ser284=; no amino-acid change (serine 284 retained).
Molecular consequence: synonymous variant.
Genome position (GRCh38, 1-based): chr9:98,996,981, C>G. VCF-style: chr9-98996981-C-G. GRCh37 (hg19) VCF-style: chr9-101759263-C-G.
Identifiers: ClinVar variation 3044600 (VCV003044600.2), dbSNP rs79301478, ClinGen allele CA5154707.
Genomic context (GRCh38, chr9:98,996,981, plus strand): 5'-TTCCTCCCTTCAGCCCAAAGAAGCAAAAGTTGAACCCATAAACACACCTCCAACTCCATC[C>G]TCCCCCTTTGAAGACATGGAACTTTCTGGTGAACCTGTACCCGAGGGGACCCTGGAAACC-3'
Protein context (NP_001846.3, residues 274-294): VEPINTPPTP[Ser284=]SPFEDMELSG